The following is an entry in ClinVar:

ClinVar aggregate classification (germline): Uncertain significance (1 of 4 stars; one submission).

gnomAD v4.1: 15 of 1,613,944 alleles (0.00093%); highest among the groups gnomAD compares: African/African-American, 0.017%; no homozygotes.

Submission:

GeneDx
Classification: Uncertain significance. Last evaluated: 2026-04-08. Review status: criteria provided, single submitter. Criteria: GeneDx Variant Classification Process June 2021. Collection method: clinical testing. Allele origin: germline.
Comment: In silico analysis suggests that this missense variant does not alter protein structure/function; Has not been previously published as pathogenic or benign to our knowledge

NM_016013.4(NDUFAF1):c.164C>T (p.Thr55Ile)

Gene: NDUFAF1 (NADH:ubiquinone oxidoreductase complex assembly factor 1; minus strand). Cytogenetic location: 15q15.1.
Variant type: single nucleotide variant.
Coding change: c.164C>T on transcript NM_016013.4 (MANE Select); coding-DNA position 164, C replaced by T.
Protein change: p.Thr55Ile; replaces threonine 55 with isoleucine.
Molecular consequence: missense variant. On other transcripts: non-coding transcript variant (3).
Genome position (GRCh38, 1-based): chr15:41,396,896, G>A on the plus strand (C>T on the coding strand, the complement: NDUFAF1 is on the minus strand). VCF-style: chr15-41396896-G-A. GRCh37 (hg19) VCF-style: chr15-41689094-G-A.
Other names: c.164C>T, p.Thr55Ile (NM_001437486.1, NM_001437487.1, NM_001437488.1 and 2 more transcripts); short protein forms T55I.
Identifiers: ClinVar variation 5018447 (VCV005018447.1).